The following is an entry in ClinVar:

NM_002334.4(LRP4):c.2213A>G (p.Gln738Arg)

Gene: LRP4 (LDL receptor related protein 4; minus strand). Cytogenetic location: 11p11.2.
Variant type: single nucleotide variant.
Coding change: c.2213A>G on transcript NM_002334.4 (MANE Select); coding-DNA position 2213, A replaced by G.
Protein change: p.Gln738Arg; replaces glutamine 738 with arginine.
Molecular consequence: missense variant.
Genome position (GRCh38, 1-based): chr11:46,889,413, T>C on the plus strand (A>G on the coding strand, the complement: LRP4 is on the minus strand). VCF-style: chr11-46889413-T-C. GRCh37 (hg19) VCF-style: chr11-46910964-T-C.
Other names: short protein forms Q738R.
Identifiers: ClinVar variation 2067424 (VCV002067424.1), dbSNP rs376437208, ClinGen allele CA5969962.
Genomic context (GRCh38, chr11:46,889,413, plus strand): 5'-TCCTTCTCCCCATCCTCACAACAGCCTCCATGGAGGCTGGTGTTGCAGACCCACTTACTC[T>C]GGGCACAGGCGTGGCTGCTGATCTTGCGGAAGCCAGTGGGGCAGGCACAGGTGTAGTTCT-3'
Protein context (NP_002325.2, residues 728-748): FRKISSHACA[Gln738Arg]SLDKFLLFAR

ClinVar aggregate classification (germline): Uncertain significance (1 of 4 stars; one submission).

Conditions:
Cenani-Lenz syndactyly syndrome. Also called: CENANI SYNDACTYLISM; SYNDACTYLY, TYPE VII. Identifiers: Orphanet 3258, MedGen C1859309, MONDO:0008931, OMIM 212780.
Congenital myasthenic syndrome 17. Identifiers: Orphanet 590, MedGen C4225377, MONDO:0014578, OMIM 616304.
Sclerosteosis 2 (SOST2). Identifiers: Orphanet 3152, MedGen C3280402, MONDO:0013679, OMIM 614305.

Allele frequency attached by ClinVar (database versions not stated): ESP Exome Variant Server 0.00008.
gnomAD v4.1: 20 of 1,613,892 alleles (0.0012%); highest among the groups gnomAD compares: Admixed American, 0.0033%; no homozygotes.

Submission:

Labcorp Genetics (formerly Invitae), Labcorp
Classification: Uncertain significance for Cenani-Lenz syndactyly syndrome; Sclerosteosis 2; Congenital myasthenic syndrome 17. Last evaluated: 2022-07-27. Review status: criteria provided, single submitter. Criteria: Invitae Variant Classification Sherloc (09022015). Collection method: clinical testing. Allele origin: germline.
Comment: This sequence change replaces glutamine, which is neutral and polar, with arginine, which is basic and polar, at codon 738 of the LRP4 protein (p.Gln738Arg). This variant is present in population databases (rs376437208, gnomAD 0.006%). This variant has not been reported in the literature in individuals affected with LRP4-related conditions. Algorithms developed to predict the effect of missense changes on protein structure and function are either unavailable or do not agree on the potential impact of this missense change (SIFT: "Deleterious"; PolyPhen-2: "Benign"; Align-GVGD: "Class C0"). In summary, the available evidence is currently insufficient to determine the role of this variant in disease. Therefore, it has been classified as a Variant of Uncertain Significance.